The following is an entry in ClinVar:

NM_001849.4(COL6A2):c.2171G>A (p.Arg724His)

Gene: COL6A2 (collagen type VI alpha 2 chain; plus strand). Cytogenetic location: 21q22.3.
Variant type: single nucleotide variant.
Coding change: c.2171G>A on transcript NM_001849.4 (MANE Select); coding-DNA position 2171, G replaced by A.
Protein change: p.Arg724His; replaces arginine 724 with histidine.
Molecular consequence: missense variant.
Genome position (GRCh38, 1-based): chr21:46,125,986, G>A. VCF-style: chr21-46125986-G-A. GRCh37 (hg19) VCF-style: chr21-47545900-G-A.
Other names: c.2171G>A, p.Arg724His (NM_058174.3, NM_058175.3); short protein forms R724H.
Identifiers: ClinVar variation 858047 (VCV000858047.16), dbSNP rs145450812, ClinGen allele CA10072459.
Genomic context (GRCh38, chr21:46,125,986, plus strand): 5'-CCTCAGCCCTCAAGTTTGCCTACGACCGCCTCATCAAGGAGAGCCGGCGCCAGAAGACAC[G>A]TGTGTTTGCGGTGGTCATCACGGACGGGCGCCACGACCCTCGGGACGATGACCTCAACTT-3'
Protein context (NP_001840.3, residues 714-734): LIKESRRQKT[Arg724His]VFAVVITDGR

ClinVar aggregate classification (germline): Conflicting classifications of pathogenicity. Review status: criteria provided, conflicting classifications (1 of 4 stars). 2 submissions from 2 submitters: Uncertain significance (1); Likely benign (1). Last evaluated 2025-10-01.

Conditions:
Bethlem myopathy 1A. Also called: Bethlem myopathy 1; MYOPATHY, BENIGN CONGENITAL, WITH CONTRACTURES; Bethlem Muscular Dystrophy. Identifiers: Orphanet 610, MedGen CN029274, MONDO:0024530, OMIM 158810.

Submissions (2):

CeGaT Center for Human Genetics Tuebingen
Classification: Uncertain significance. Last evaluated: 2025-10-01. Review status: criteria provided, single submitter. Criteria: CeGaT Center For Human Genetics Tuebingen Variant Classification Criteria Version 2. Collection method: clinical testing. Allele origin: germline. Affected: yes. Observed: 1 variant allele.
Comment: COL6A2: PM2, BP4

Labcorp Genetics (formerly Invitae), Labcorp
Classification: Likely benign for Bethlem myopathy 1A. Last evaluated: 2024-03-26. Review status: criteria provided, single submitter. Criteria: Invitae Variant Classification Sherloc (09022015). Collection method: clinical testing. Allele origin: germline.